The following is an entry in ClinVar:

NM_004168.4(SDHA):c.2T>C (p.Met1Thr)

Gene: SDHA (succinate dehydrogenase complex flavoprotein subunit A; plus strand). Cytogenetic location: 5p15.33.
Variant type: single nucleotide variant.
Coding change: c.2T>C on transcript NM_004168.4 (MANE Select); coding-DNA position 2, T replaced by C.
Protein change: p.Met1Thr; changes the start codon (methionine 1).
Molecular consequence: missense variant, initiator codon variant.
Genome position (GRCh38, 1-based): chr5:218,357, T>C. VCF-style: chr5-218357-T-C. GRCh37 (hg19) VCF-style: chr5-218472-T-C.
Other names: c.2T>C, p.Met1Thr (NM_001294332.2, NM_001330758.2); short protein forms M1T.
Identifiers: ClinVar variation 412398 (VCV000412398.24), dbSNP rs750380279, ClinGen allele CA16611812.

ClinVar aggregate classification (germline): Pathogenic/Likely pathogenic. Review status: criteria provided, multiple submitters, no conflicts (2 of 4 stars). 8 submissions from 8 submitters: Pathogenic (4); Likely pathogenic (2). 2 of the submissions do not count toward it. Last evaluated 2026-01-20.

Conditions:
Dilated cardiomyopathy 1GG (CMD1GG). Identifiers: Orphanet 154, MedGen C3150898, MONDO:0013339, OMIM 613642.
Mitochondrial complex II deficiency, nuclear type 1. Also called: SUCCINATE CoQ REDUCTASE DEFICIENCY. Identifiers: Orphanet 3208, MedGen C5700310, MONDO:0100294, OMIM 252011.
Hereditary cancer-predisposing syndrome. Also called: Neoplastic Syndromes, Hereditary; Hereditary Cancer Syndrome; Tumor predisposition; Hereditary neoplastic syndrome. Identifiers: Orphanet 140162, MedGen C0027672, MeSH D009386, MONDO:0015356.
Pheochromocytoma/paraganglioma syndrome 5. Also called: SDHA-Related Hereditary Paraganglioma-Pheochromocytoma Syndrome; Paragangliomas 5. Identifiers: Orphanet 29072, MedGen C3279992, MONDO:0013602, OMIM 614165.

Submissions (8):

Labcorp Genetics (formerly Invitae), Labcorp
Classification: Pathogenic for Pheochromocytoma/paraganglioma syndrome 5; Mitochondrial complex II deficiency, nuclear type 1. Last evaluated: 2026-01-20. Review status: criteria provided, single submitter. Criteria: Invitae Variant Classification Sherloc (09022015). Collection method: clinical testing. Allele origin: germline.
Comment: This sequence change affects the initiator codon of the SDHA mRNA. This change may impact translation initiation or efficiency. The next in-frame methionine is located at codon 114. The frequency data for this variant in the population databases is considered unreliable, as metrics indicate poor data quality at this position in the gnomAD database. Disruption of the initiator codon has been observed in individuals with GIST, paraganglioma and autosomal recessive mitochondrial complex II deficiency (PMID: 10746566, 26722403, 28384794; internal data). ClinVar contains an entry for this variant (Variation ID: 412398). For these reasons, this variant has been classified as Pathogenic.

Ambry Genetics
Classification: Pathogenic for Hereditary cancer-predisposing syndrome. Last evaluated: 2025-11-21. Review status: criteria provided, single submitter. Criteria: Ambry Variant Classification Scheme 2023. Collection method: clinical testing. Allele origin: germline.
Comment: The p.M1? pathogenic mutation (also known as c.2T>C) is located in coding exon 1 of the SDHA gene and results from a T to C substitution at nucleotide position 2. This alters the methionine residue at the initiation codon (ATG). This variant was reported in individual(s) with features consistent with SDHA-related hereditary pheochromocytoma-paraganglioma syndrome (Jiang Q et al. Int J Clin Exp Pathol 2015 Oct;8(10):12188-97, Shi C et al. J Endocr Soc, 2023 Aug;7:bvad093, Yoshihama K et al. Clin Genet, 2023 Jan). In addition to the clinical data presented in the literature, sequence variations that modify the initiation codon are expected to result in either loss of translation initiation, N-terminal truncation, or cause a shift in the mRNA reading frame. Based on the supporting evidence, this alteration is interpreted as a disease-causing mutation.

Quest Diagnostics Nichols Institute San Juan Capistrano
Classification: Likely pathogenic. Last evaluated: 2025-05-17. Review status: criteria provided, single submitter. Criteria: Quest Diagnostics criteria. Collection method: clinical testing. Allele origin: unknown.
Comment: The SDHA c.2T>C variant disrupts the translation initiation codon of the SDHA mRNA and is predicted to interfere with SDHA protein synthesis. This variant has been reported in the published literature in individuals affected with PGL-PCC syndrome (PMID: 36597280 (2023), 37873498 (2023)), gastrointestinal stromal tumor with renal cell carcinoma (PMID: 26722403 (2015)), and breast cancer (PMID: 34793666 (2022)). Several other SDHA variants affecting the translation initiation codon in affected individuals have also been reported in the literature (PMID: 10746566 (2000), 28384794 (2017), 32971818 (2020)). The frequency of this variant in the general population (Genome Aggregation Database) is consistent with pathogenicity. Based on the available information, this variant is classified as likely pathogenic.

First Genomix Gene Laboratory, Genetic Diagnostics Department
Classification: Pathogenic for Dilated cardiomyopathy 1GG; Mitochondrial complex II deficiency, nuclear type 1. Last evaluated: 2025-04-14. Review status: criteria provided, single submitter. Criteria: ACMG Guidelines, 2015. Collection method: clinical testing. Allele origin: germline. Inheritance: Autosomal recessive inheritance. Affected: no. Observed: 1 variant allele.

Institute for Genomic Medicine (IGM) Clinical Laboratory, Nationwide Children's Hospital
Classification: Likely pathogenic for Pheochromocytoma/paraganglioma syndrome 5. Last evaluated: 2023-08-21. Review status: criteria provided, single submitter. Criteria: ACMG Guidelines, 2015. Collection method: clinical testing. Allele origin: germline.
Comment: This variant is predicted to result in loss of function through nonsense-mediated decay of the encoded transcript or premature truncation of the encoded protein in a gene in which loss of function is a known mechanism of disease (ACMG/AMP: PVS1_Moderate). This variant has been reported at an elevated frequency in affected individuals/in multiple affected individuals in the literature (ACMG/AMP: PS4_Moderate; PMIDs:26722403, 36597280). This variant is absent from or present at an exceedingly low frequency in gnomAD, a large-scale control population database (ACMG/AMP: PM2).

Myriad Genetics, Inc.
Classification: Pathogenic for Pheochromocytoma/paraganglioma syndrome 5. Last evaluated: 2023-04-24. Review status: criteria provided, single submitter. Criteria: Myriad Autosomal Dominant, Autosomal Recessive and X-Linked Classification Criteria (2023). Collection method: clinical testing. Allele origin: unknown.
Comment: This variant is considered pathogenic. This variant is located within the gene translation start codon (p.Met1?) and is predicted to result in abnormal protein translation. This variant has been reported in multiple individuals with clinical features of gene-specific disease [PMID: 28384794, 10746566, 26722403, 32971818].

Breast Care Center, Daerim St. Mary`s Hospital
Classification: Pathogenic for Hereditary cancer-predisposing syndrome. Last evaluated: 2023-05-17. Review status: no assertion criteria provided. Collection method: clinical testing. Allele origin: germline. Inheritance: Autosomal dominant inheritance. Affected: yes. Observed: 1 heterozygote. Not counted in ClinVar's aggregate classification.
Comment: The SDHA:c.2T>C variant was detected rarely in gnomAD population databases. It is a null variant, resulting in a starting loss located in exon 1, which aligns with a known mechanism of disease. Additionally, it leads to the same amino acid change as a known pathogenic variant.

Counsyl
Classification: Likely pathogenic for Pheochromocytoma/paraganglioma syndrome 5. Last evaluated: 2018-01-16. Review status: no assertion criteria provided. Collection method: clinical testing. Allele origin: unknown. Not counted in ClinVar's aggregate classification.

Literature cited by the submitters: PubMed 10746566 (cited by 3 submitters); PubMed 26722403 (cited by 5 submitters); PubMed 28384794 (cited by 3 submitters); PubMed 36597280 (cited by 3 submitters); PubMed 37873498 (cited by Ambry Genetics and Quest Diagnostics Nichols Institute San Juan Capistrano); PubMed 32971818 (cited by Quest Diagnostics Nichols Institute San Juan Capistrano and Myriad Genetics, Inc.); PubMed 38538548 (cited by Quest Diagnostics Nichols Institute San Juan Capistrano); PubMed 36980917 (cited by Quest Diagnostics Nichols Institute San Juan Capistrano); PubMed 34793666 (cited by Quest Diagnostics Nichols Institute San Juan Capistrano); PubMed 34703596 (cited by Quest Diagnostics Nichols Institute San Juan Capistrano); PubMed 31579262 (cited by Quest Diagnostics Nichols Institute San Juan Capistrano).